The following is an entry in ClinVar:

ClinVar aggregate classification (germline): Conflicting classifications of pathogenicity. Review status: criteria provided, conflicting classifications (1 of 4 stars). 3 submissions from 3 submitters: Uncertain significance (2); Likely benign (1). Last evaluated 2025-11-03.

Conditions:
Rhabdoid tumor predisposition syndrome 2 (RTPS2). Identifiers: Orphanet 231108, Orphanet 69077, MedGen C2750074, MONDO:0013224, OMIM 613325.
Intellectual disability, autosomal dominant 16 (CSS4). Also called: COFFIN-SIRIS SYNDROME 4. Identifiers: Orphanet 1465, MedGen C3553249, MONDO:0013821, OMIM 614609.
Otosclerosis 12. Identifiers: MedGen C5935610, MONDO:0968980, OMIM 620792.
Hereditary cancer-predisposing syndrome. Also called: Tumor predisposition; Hereditary Cancer Syndrome; Hereditary neoplastic syndrome; Neoplastic Syndromes, Hereditary. Identifiers: Orphanet 140162, MedGen C0027672, MeSH D009386, MONDO:0015356.

Allele frequency attached by ClinVar (database versions not stated): gnomAD exomes below 0.00001; gnomAD 0.00001.
gnomAD v4.1: 5 of 1,613,914 alleles (0.00031%); highest among the groups gnomAD compares: East Asian, 0.0045%; no homozygotes.

Submissions (3):

Labcorp Genetics (formerly Invitae), Labcorp
Classification: Likely benign for Rhabdoid tumor predisposition syndrome 2. Last evaluated: 2025-11-03. Review status: criteria provided, single submitter. Criteria: Invitae Variant Classification Sherloc (09022015). Collection method: clinical testing. Allele origin: germline.

Ambry Genetics
Classification: Uncertain significance for Hereditary cancer-predisposing syndrome. Last evaluated: 2025-03-14. Review status: criteria provided, single submitter. Criteria: Ambry Variant Classification Scheme 2023. Collection method: clinical testing. Allele origin: germline.
Comment: The c.3216-3C>T intronic variant results from a C to T substitution 3 nucleotides upstream from coding exon 23 in the SMARCA4 gene. This nucleotide position is well conserved in available vertebrate species. In silico splice site analysis predicts that this alteration will not have any significant effect on splicing. Based on the available evidence, the clinical significance of this variant remains unclear.

Fulgent Genetics
Classification: Uncertain significance for Rhabdoid tumor predisposition syndrome 2; Intellectual disability, autosomal dominant 16; Otosclerosis 12. Last evaluated: 2024-03-25. Review status: criteria provided, single submitter. Criteria: ACMG Guidelines, 2015. Collection method: clinical testing. Allele origin: germline.

NM_003072.5(SMARCA4):c.3216-3C>T

Gene: SMARCA4 (SWI/SNF related BAF chromatin remodeling complex subunit ATPase 4; plus strand). Cytogenetic location: 19p13.2.
Variant type: single nucleotide variant.
Coding change: c.3216-3C>T on transcript NM_003072.5 (MANE Select); 3 bases into the intron before coding-DNA position 3216, C replaced by T.
Molecular consequence: intron variant.
Genome position (GRCh38, 1-based): chr19:11,027,781, C>T. VCF-style: chr19-11027781-C-T. GRCh37 (hg19) VCF-style: chr19-11138457-C-T.
Other names: c.3216-3C>T (NM_001128849.2, NM_001128844.3, NM_001128849.3 and 6 more transcripts).
Identifiers: ClinVar variation 537827 (VCV000537827.11), dbSNP rs1310639053, ClinGen allele CA632115334.